The following is an entry in ClinVar:

ClinVar aggregate classification (germline): Uncertain significance (1 of 4 stars; one submission).

Conditions:
TTN-related disorder. Also called: TTN-related disorders; TTN-related condition; TTN-related disease.

Submission:

PreventionGenetics, part of Exact Sciences
Classification: Uncertain significance for TTN-related condition. Last evaluated: 2026-04-22. Review status: criteria provided, single submitter. Criteria: ACMG Guidelines, 2015. Collection method: clinical testing. Allele origin: germline.
Comment: The TTN c.15589A>C variant is predicted to result in the amino acid substitution p.Ile5197Leu. To our knowledge, this variant has not been reported in the literature. This variant is reported in 0.020% of alleles in individuals of Latino descent in gnomAD. At this time, the clinical significance of this variant is uncertain due to the absence of conclusive functional and genetic evidence.

NM_001267550.2(TTN):c.15589A>C (p.Ile5197Leu)

Gene: TTN (titin; minus strand). Cytogenetic location: 2q31.2.
Variant type: single nucleotide variant.
Coding change: c.15589A>C on transcript NM_001267550.2 (MANE Select); coding-DNA position 15589, A replaced by C.
Protein change: p.Ile5197Leu; replaces isoleucine 5197 with leucine.
Molecular consequence: missense variant. On other transcripts: intron variant (3).
Genome position (GRCh38, 1-based): chr2:178,733,800, T>G on the plus strand (A>C on the coding strand, the complement: TTN is on the minus strand). VCF-style: chr2-178733800-T-G. GRCh37 (hg19) VCF-style: chr2-179598527-T-G.
Other names: c.14638A>C, p.Ile4880Leu (NM_001256850.1); c.11857A>C, p.Ile3953Leu (NM_133378.4); c.13282+4282A>C (NM_003319.4); c.13858+4282A>C (NM_133437.4); c.13657+4282A>C (NM_133432.3); short protein forms I3953L, I5197L, I4880L.
Identifiers: ClinVar variation 4985087 (VCV004985087.1).
Genomic context (GRCh38, chr2:178,733,800, plus strand): 5'-TCATTTTGATTTTTCCGTCTTCTCTGATGACCTCTTGACCTTTCATCCATGTGACAGAAA[T>G]GGGCTCTGACCCTCTCACAGCAGCTTGCAGGGTAACGGTTTGTCCTCCTAGTGCAATCAA-3'
Protein context (NP_001254479.2, residues 5187-5207): LQAAVRGSEP[Ile5197Leu]SVTWMKGQEV